The following is an entry in ClinVar:

ClinVar aggregate classification (germline): Uncertain significance. Review status: criteria provided, multiple submitters, no conflicts (2 of 4 stars). 2 submissions from 2 submitters: Uncertain significance (2). Last evaluated 2024-08-11.

gnomAD v4.1: 14 of 1,613,526 alleles (0.00087%); highest among the groups gnomAD compares: Middle Eastern, 0.017%; no homozygotes.

Submissions (2):

ARUP Laboratories, Molecular Genetics and Genomics, ARUP Laboratories
Classification: Uncertain significance. Last evaluated: 2024-08-11. Review status: criteria provided, single submitter. Criteria: ARUP Molecular Germline Variant Investigation Process 2024. Collection method: clinical testing. Allele origin: germline.
Comment: The TTN c.69631G>A; p.Glu23211Lys variant is rare in the general population (<0.2% allele frequency in the Genome Aggregation Database) and has not been reported in the medical literature in association with dilated cardiomyopathy (DCM) or other TTN-related disease. The clinical relevance of rare missense variants in this gene, which are identified on average once per individual sequenced in affected populations (Herman 2012), is not well understood. While the clinical significance of such variants is considered uncertain, evidence suggests that the vast majority of missense variants do not contribute to the clinical outcome of DCM (Begay 2015). Given the available evidence, the clinical significance of the p.Glu23211Lys variant cannot be determined with certainty. References: Begay RL et al. Role of Titin Missense Variants in Dilated Cardiomyopathy. J Am Heart Assoc. 2015 Nov 13;4(11). PMID: 26567375. Herman DS et al. Truncations of titin causing dilated cardiomyopathy. N Engl J Med. 2012 Feb 16;366(7):619-28. PMID: 22335739. Linke WA and Hamdani N. Gigantic business: titin properties and function through thick and thin. Circ Res 2014; 114(6): 1052-1068. PMID: 24625729.

CeGaT Center for Human Genetics Tuebingen
Classification: Uncertain significance. Last evaluated: 2023-09-01. Review status: criteria provided, single submitter. Criteria: CeGaT Center For Human Genetics Tuebingen Variant Classification Criteria Version 2. Collection method: clinical testing. Allele origin: germline. Affected: yes. Observed: 1 variant allele.
Comment: TTN: PM2

NM_001267550.2(TTN):c.69631G>A (p.Glu23211Lys)

Genes: TTN (titin; minus strand), TTN-AS1 (TTN antisense RNA 1; plus strand), LOC126806422 (BRD4-independent group 4 enhancer GRCh37_chr2:179440205-179441404; plus strand). Cytogenetic location: 2q31.2.
Variant type: single nucleotide variant.
Coding change: c.69631G>A on transcript NM_001267550.2 (MANE Select); coding-DNA position 69631, G replaced by A.
Protein change: p.Glu23211Lys; replaces glutamic acid 23211 with lysine.
Molecular consequence: missense variant.
Genome position (GRCh38, 1-based): chr2:178,576,613, C>T on the plus strand (G>A on the coding strand, the complement: TTN is on the minus strand). VCF-style: chr2-178576613-C-T. GRCh37 (hg19) VCF-style: chr2-179441340-C-T.
Other names: c.64708G>A, p.Glu21570Lys (NM_001256850.1); c.42436G>A, p.Glu14146Lys (NM_003319.4); c.61927G>A, p.Glu20643Lys (NM_133378.4); c.42811G>A, p.Glu14271Lys (NM_133432.3); c.43012G>A, p.Glu14338Lys (NM_133437.4); short protein forms E14146K, E14271K, E14338K, E20643K, E21570K, E23211K.
Identifiers: ClinVar variation 2651612 (VCV002651612.25), dbSNP rs1215669622, ClinGen allele CA349667247.